The following is an entry in ClinVar:

NM_000543.5(SMPD1):c.1394T>C (p.Phe465Ser)

Gene: SMPD1 (sphingomyelin phosphodiesterase 1; plus strand). Cytogenetic location: 11p15.4.
Variant type: single nucleotide variant.
Coding change: c.1394T>C on transcript NM_000543.5 (MANE Select); coding-DNA position 1394, T replaced by C.
Protein change: p.Phe465Ser; replaces phenylalanine 465 with serine.
Molecular consequence: missense variant. On other transcripts: non-coding transcript variant (2).
Genome position (GRCh38, 1-based): chr11:6,393,949, T>C. VCF-style: chr11-6393949-T-C. GRCh37 (hg19) VCF-style: chr11-6415179-T-C.
Other names: c.1262T>C, p.Phe421Ser (NM_001365135.2); c.1391T>C, p.Phe464Ser (NM_001007593.3); c.1394T>C, p.Phe465Ser (NM_001318087.2); c.473T>C, p.Phe158Ser (NM_001318088.2); short protein forms F465S, F158S, F421S, F464S.
Identifiers: ClinVar variation 864212 (VCV000864212.15), dbSNP rs1319643225, ClinGen allele CA379375026.

ClinVar aggregate classification (germline): Pathogenic/Likely pathogenic. Review status: criteria provided, multiple submitters, no conflicts (2 of 4 stars). 5 submissions from 5 submitters: Pathogenic (3); Likely pathogenic (2). Last evaluated 2024-12-05.

Conditions:
Niemann-Pick disease, type A. Also called: SPHINGOMYELIN LIPIDOSIS; SPHINGOMYELINASE DEFICIENCY; Infantile Neurovisceral ASMD (Niemann-Pick Disease Type A; NPD-A). Identifiers: Orphanet 77292, MedGen C0268242, MONDO:0009756, OMIM 257200. Disease mechanism: loss of function.
Niemann-Pick disease, type B. Also called: Chronic Visceral ASMD (Niemann-Pick Disease Type B; NPD-B). Identifiers: Orphanet 77293, MedGen C0268243, MONDO:0011871, OMIM 607616. Disease mechanism: loss of function.
Sphingomyelin/cholesterol lipidosis. Also called: Niemann-Pick disease. Identifiers: MedGen C0028064, MONDO:0001982.

Allele frequency attached by ClinVar (database versions not stated): gnomAD exomes below 0.00001.
gnomAD v4.1: 3 of 1,614,226 alleles (0.00019%); highest among the groups gnomAD compares: Non-Finnish European, 0.00025%; no homozygotes.

Submissions (5):

Women's Health and Genetics/Laboratory Corporation of America, LabCorp
Classification: Pathogenic for Sphingomyelin/cholesterol lipidosis. Last evaluated: 2024-12-05. Review status: criteria provided, single submitter. Criteria: LabCorp Variant Classification Summary - May 2015. Collection method: clinical testing. Allele origin: germline.
Comment: Variant summary: SMPD1 c.1394T>C (p.Phe465Ser) results in a non-conservative amino acid change located in the acid sphingomyelinase and related proteins, metallophosphatase domain (IPR041805) of the encoded protein sequence. Four of four in-silico tools predict a damaging effect of the variant on protein function. The variant allele was found at a frequency of 4e-06 in 251494 control chromosomes. c.1394T>C has been reported in the literature in the homozygous and compound heterozygous state in multiple individuals affected with Niemann-Pick Disease (Hu_2021, Deshpande_2021, Sikora_2003). These data indicate that the variant is very likely to be associated with disease. To our knowledge, no experimental evidence demonstrating an impact on protein function has been reported. The following publications have been ascertained in the context of this evaluation (PMID: 34273913, 33675270, 12556236). ClinVar contains an entry for this variant (Variation ID: 864212). Based on the evidence outlined above, the variant was classified as pathogenic.

Natera, Inc.
Classification: Likely pathogenic for Niemann-Pick Disease, Types A/B. Last evaluated: 2024-07-29. Review status: criteria provided, single submitter. Criteria: Natera Variant Classification Schema (03/2026). Collection method: clinical testing. Allele origin: germline.
Comment: The c.1394T>C variant in SMPD1 is a missense variant predicted to cause substitution of phenylalanine to serine at amino acid 465. This variant is rare in the general population with a frequency below the threshold expected for the associated phenotype(s). This variant has been observed in one or more individuals affected with the associated recessive disease, as either homozygous or compound heterozygous with a second variant (PMID: 27338287, 33675270, 12556236). Computational prediction algorithms indicate this variant is likely to affect gene or protein function. Given the available evidence, this variant is classified as Likely Pathogenic.

Baylor Genetics
Classification: Pathogenic for Niemann-Pick disease, type A. Last evaluated: 2024-03-30. Review status: criteria provided, single submitter. Criteria: ACMG Guidelines, 2015. Collection method: clinical testing. Allele origin: unknown.

Labcorp Genetics (formerly Invitae), Labcorp
Classification: Pathogenic for Niemann-Pick disease, type B; Niemann-Pick disease, type A. Last evaluated: 2022-08-09. Review status: criteria provided, single submitter. Criteria: Invitae Variant Classification Sherloc (09022015). Collection method: clinical testing. Allele origin: germline.
Comment: For these reasons, this variant has been classified as Pathogenic. Advanced modeling of protein sequence and biophysical properties (such as structural, functional, and spatial information, amino acid conservation, physicochemical variation, residue mobility, and thermodynamic stability) performed at Invitae indicates that this missense variant is expected to disrupt SMPD1 protein function. This sequence change replaces phenylalanine, which is neutral and non-polar, with serine, which is neutral and polar, at codon 465 of the SMPD1 protein (p.Phe465Ser). This variant is present in population databases (no rsID available, gnomAD 0.0009%). This missense change has been observed in individual(s) with Niemann-Pick disease (PMID: 12556236, 22818240, 27338287, 33675270). In at least one individual the data is consistent with being in trans (on the opposite chromosome) from a pathogenic variant. This variant is also known as g.3337T > C (F463S). ClinVar contains an entry for this variant (Variation ID: 864212).

Diagnostics Division, CENTRE FOR DNA FINGERPRINTING AND DIAGNOSTICS
Classification: Likely pathogenic for Niemann-Pick disease, type A. Last evaluated: 2021-04-25. Review status: criteria provided, single submitter. Criteria: ACMG Guidelines, 2015. Collection method: research. Allele origin: germline. Affected: yes. Observed: 1 variant allele.

Literature cited by the submitters: PubMed 12556236 (cited by 3 submitters); PubMed 33675270 (cited by 3 submitters); PubMed 34273913 (cited by Women's Health and Genetics/Laboratory Corporation of America, LabCorp); PubMed 27338287 (cited by Natera, Inc. and Labcorp Genetics (formerly Invitae), Labcorp); PubMed 22818240 (cited by Labcorp Genetics (formerly Invitae), Labcorp).